The following is an entry in ClinVar:

NM_001077418.3(TMEM231):c.322G>A (p.Asp108Asn)

Gene: TMEM231 (transmembrane protein 231; minus strand). Cytogenetic location: 16q23.1.
Variant type: single nucleotide variant.
Coding change: c.322G>A on transcript NM_001077418.3 (MANE Select); coding-DNA position 322, G replaced by A.
Protein change: p.Asp108Asn; replaces aspartic acid 108 with asparagine.
Molecular consequence: missense variant. On other transcripts: non-coding transcript variant (1).
Genome position (GRCh38, 1-based): chr16:75,545,942, C>T on the plus strand (G>A on the coding strand, the complement: TMEM231 is on the minus strand). VCF-style: chr16-75545942-C-T. GRCh37 (hg19) VCF-style: chr16-75579840-C-T.
Other names: c.481G>A, p.Asp161Asn (NM_001077416.2); short protein forms D108N, D161N.
Identifiers: ClinVar variation 1052480 (VCV001052480.5), dbSNP rs759954710, ClinGen allele CA8176209.

ClinVar aggregate classification (germline): Uncertain significance. Review status: criteria provided, multiple submitters, no conflicts (2 of 4 stars). 2 submissions from 2 submitters: Uncertain significance (2). Last evaluated 2022-08-12.

Conditions:
Joubert syndrome 20 (JBTS20). Identifiers: Orphanet 475, MedGen C3554235, MONDO:0013994, OMIM 614970.
Meckel syndrome, type 11 (MKS11). Identifiers: Orphanet 564, MedGen C3809352, MONDO:0014164, OMIM 615397.

Allele frequency attached by ClinVar (database versions not stated): gnomAD 0.00001; gnomAD exomes 0.00002 and 0.00008; TOPMed 0.00002.
gnomAD v4.1: 11 of 1,529,538 alleles (0.00072%); highest among the groups gnomAD compares: Admixed American, 0.023%; no homozygotes.

Submissions (2):

Labcorp Genetics (formerly Invitae), Labcorp
Classification: Uncertain significance for Joubert syndrome 20; Meckel syndrome, type 11. Last evaluated: 2022-08-12. Review status: criteria provided, single submitter. Criteria: Invitae Variant Classification Sherloc (09022015). Collection method: clinical testing. Allele origin: germline.
Comment: This sequence change replaces aspartic acid, which is acidic and polar, with asparagine, which is neutral and polar, at codon 161 of the TMEM231 protein (p.Asp161Asn). This variant is present in population databases (rs759954710, gnomAD 0.04%). This variant has not been reported in the literature in individuals affected with TMEM231-related conditions. ClinVar contains an entry for this variant (Variation ID: 1052480). Algorithms developed to predict the effect of missense changes on protein structure and function are either unavailable or do not agree on the potential impact of this missense change (SIFT: "Tolerated"; PolyPhen-2: "Not Available"; Align-GVGD: "Class C0"). In summary, the available evidence is currently insufficient to determine the role of this variant in disease. Therefore, it has been classified as a Variant of Uncertain Significance.

GeneDx
Classification: Uncertain significance. Last evaluated: 2019-02-20. Review status: criteria provided, single submitter. Criteria: GeneDx Variant Classification Process June 2021. Collection method: clinical testing. Allele origin: germline. Affected: yes.
Comment: In silico analysis, which includes protein predictors and evolutionary conservation, supports a deleterious effect; Has not been previously published as pathogenic or benign to our knowledge